The following is an entry in ClinVar:

ClinVar aggregate classification (germline): Uncertain significance (1 of 4 stars; one submission).

Conditions:
Neuropathy, hereditary sensory, type 2C. Also called: KIF1A-Related HSAN2 (HSAN2C); Hereditary sensory and autonomic neuropathy type IIC. Identifiers: Orphanet 970, MedGen C3280168, MONDO:0013634, OMIM 614213.
Hereditary spastic paraplegia 30. Identifiers: Orphanet 101010, MedGen C5235139, MONDO:0012476.
Intellectual disability, autosomal dominant 9 (NESCAVS). Also called: KIF1A-Related Neurodevelopmental Disorder; NESCAV SYNDROME. Identifiers: Orphanet 662367, MedGen C5393830, MONDO:0013656, OMIM 614255.

gnomAD v4.1: 6 of 1,608,458 alleles (0.00037%); highest among the groups gnomAD compares: Non-Finnish European, 0.00051%; no homozygotes.

Submission:

Labcorp Genetics (formerly Invitae), Labcorp
Classification: Uncertain significance for Hereditary spastic paraplegia 30; Neuropathy, hereditary sensory, type 2C; Intellectual disability, autosomal dominant 9. Last evaluated: 2025-04-13. Review status: criteria provided, single submitter. Criteria: Invitae Variant Classification Sherloc (09022015). Collection method: clinical testing. Allele origin: germline.
Comment: This sequence change replaces glycine, which is neutral and non-polar, with valine, which is neutral and non-polar, at codon 550 of the KIF1A protein (p.Gly550Val). The frequency data for this variant in the population databases is considered unreliable, as metrics indicate poor data quality at this position in the gnomAD database. This variant has not been reported in the literature in individuals affected with KIF1A-related conditions. Invitae Evidence Modeling of protein sequence and biophysical properties (such as structural, functional, and spatial information, amino acid conservation, physicochemical variation, residue mobility, and thermodynamic stability) indicates that this missense variant is expected to disrupt KIF1A protein function with a positive predictive value of 80%. In summary, the available evidence is currently insufficient to determine the role of this variant in disease. Therefore, it has been classified as a Variant of Uncertain Significance.

NM_001244008.2(KIF1A):c.1676G>T (p.Gly559Val)

Gene: KIF1A (kinesin family member 1A; minus strand). Cytogenetic location: 2q37.3.
Variant type: single nucleotide variant.
Coding change: c.1676G>T on transcript NM_001244008.2 (MANE Select); coding-DNA position 1676, G replaced by T.
Protein change: p.Gly559Val; replaces glycine 559 with valine.
Molecular consequence: missense variant.
Genome position (GRCh38, 1-based): chr2:240,766,923, C>A on the plus strand (G>T on the coding strand, the complement: KIF1A is on the minus strand). VCF-style: chr2-240766923-C-A. GRCh37 (hg19) VCF-style: chr2-241706340-C-A.
Other names: c.1676G>T, p.Gly559Val (NM_001320705.2, NM_001330289.2, NM_001379638.1); c.1751G>T, p.Gly584Val (NM_001330290.2, NM_001379631.1, NM_001379634.1 and 2 more transcripts); c.1649G>T, p.Gly550Val (NM_001379632.1, NM_001379633.1, NM_001379636.1 and 10 more transcripts); c.1724G>T, p.Gly575Val (NM_001379637.1, NM_001379648.1); short protein forms G584V, G550V, G575V, G559V.
Identifiers: ClinVar variation 4794163 (VCV004794163.1).